The following is an entry in ClinVar:

ClinVar aggregate classification (germline): Uncertain significance (1 of 4 stars; one submission).

Conditions:
Cardiovascular phenotype. Identifiers: MedGen CN230736.

gnomAD v4.1: 8 of 1,550,254 alleles (0.00052%); highest among the groups gnomAD compares: Non-Finnish European, 0.0007%; no homozygotes.

Submission:

Ambry Genetics
Classification: Uncertain significance for Cardiovascular phenotype. Last evaluated: 2024-10-08. Review status: criteria provided, single submitter. Criteria: Ambry Variant Classification Scheme 2023. Collection method: clinical testing. Allele origin: germline.
Comment: The p.R2515P variant (also known as c.7544G>C), located in coding exon 2 of the ZNF469 gene, results from a G to C substitution at nucleotide position 7544. The arginine at codon 2515 is replaced by proline, an amino acid with dissimilar properties. This amino acid position is conserved. In addition, this alteration is predicted to be tolerated by in silico analysis. Based on the available evidence, the clinical significance of this variant remains unclear.

NM_001367624.2(ZNF469):c.7628G>C (p.Arg2543Pro)

Gene: ZNF469 (zinc finger protein 469; plus strand). Cytogenetic location: 16q24.2.
Variant type: single nucleotide variant.
Coding change: c.7628G>C on transcript NM_001367624.2 (MANE Select); coding-DNA position 7628, G replaced by C.
Protein change: p.Arg2543Pro; replaces arginine 2543 with proline.
Molecular consequence: missense variant.
Genome position (GRCh38, 1-based): chr16:88,435,098, G>C. VCF-style: chr16-88435098-G-C. GRCh37 (hg19) VCF-style: chr16-88501506-G-C.
Other names: NM_001127464.1:c.7544G>C; short protein forms R2543P.
Identifiers: ClinVar variation 3476230 (VCV003476230.1).